The following is an entry in ClinVar:

ClinVar aggregate classification (germline): Uncertain significance (1 of 4 stars; one submission).

Conditions:
Baraitser-Winter syndrome 1 (BRWS1). Also called: BARAITSER-WINTER SYNDROME 1, ATYPICAL; PACHYGYRIA, MENTAL RETARDATION, EPILEPSY, AND CHARACTERISTIC FACIES; MENTAL RETARDATION WITH EPILEPSY AND CHARACTERISTIC FACIES; Cerebrofrontofacial syndrome. Identifiers: Orphanet 2649, Orphanet 2995, MedGen C1855722, MONDO:0009470, OMIM 243310.

Allele frequency attached by ClinVar (database versions not stated): gnomAD exomes below 0.00001.
gnomAD v4.1: 2 of 1,614,196 alleles (0.00012%); highest among the groups gnomAD compares: South Asian, 0.0022%; no homozygotes.

Submission:

Labcorp Genetics (formerly Invitae), Labcorp
Classification: Uncertain significance for Baraitser-Winter syndrome 1. Last evaluated: 2022-08-20. Review status: criteria provided, single submitter. Criteria: Invitae Variant Classification Sherloc (09022015). Collection method: clinical testing. Allele origin: germline.
Comment: This variant has not been reported in the literature in individuals affected with ACTB-related conditions. In summary, the available evidence is currently insufficient to determine the role of this variant in disease. Therefore, it has been classified as a Variant of Uncertain Significance. Algorithms developed to predict the effect of sequence changes on RNA splicing suggest that this variant may create or strengthen a splice site. This variant is not present in population databases (gnomAD no frequency). This sequence change affects codon 251 of the ACTB mRNA. It is a 'silent' change, meaning that it does not change the encoded amino acid sequence of the ACTB protein.

NM_001101.5(ACTB):c.753C>T (p.Gly251=)

Gene: ACTB (actin beta; minus strand). Cytogenetic location: 7p22.1.
Variant type: single nucleotide variant.
Coding change: c.753C>T on transcript NM_001101.5 (MANE Select); coding-DNA position 753, C replaced by T.
Protein change: p.Gly251=; no amino-acid change (glycine 251 retained).
Molecular consequence: synonymous variant.
Genome position (GRCh38, 1-based): chr7:5,528,330, G>A on the plus strand (C>T on the coding strand, the complement: ACTB is on the minus strand). VCF-style: chr7-5528330-G-A. GRCh37 (hg19) VCF-style: chr7-5567961-G-A.
Identifiers: ClinVar variation 1991452 (VCV001991452.4), dbSNP rs2533847262, ClinGen allele CA453638970.